The following is an entry in ClinVar:

ClinVar aggregate classification (germline): Likely pathogenic (1 of 4 stars; one submission).

Conditions:
Primary dilated cardiomyopathy (DCM). Also called: Dilated Cardiomyopathy. Identifiers: Orphanet 217604, MedGen C0007193, MeSH D002311, MONDO:0005021, HP:0001644. Inheritance: Various modes of inheritance.

Allele frequency attached by ClinVar (database versions not stated): gnomAD exomes below 0.00001.
gnomAD v4.1: 1 of 1,613,656 alleles (0.000062%); highest among the groups gnomAD compares: Non-Finnish European, 0.000085%; no homozygotes.

Submission:

Laboratory for Molecular Medicine, Mass General Brigham Personalized Medicine
Classification: Likely pathogenic for Primary dilated cardiomyopathy. Last evaluated: 2019-01-25. Review status: criteria provided, single submitter. Criteria: ACMG Guidelines, 2015. Collection method: clinical testing. Allele origin: germline.
Comment: The p.Tyr24186X variant in TTN has not been reported in individuals with TTN-associated diseases, such as dilated cardiomyopathy and neuromuscular conditions and was absent from large population studies. This nonsense variant leads to a premature termination codon at position 24186, which is predicted to lead to a truncated or absent protein. TTN truncating variants located in exons that are highly expressed in the heart are strongly associated with autosomal dominant DCM, particularly if they are located in the A-band (Herman 2012, Pugh 2014, Roberts 2015). In addition, TTN variants have also been associated with myopathies and other neuromuscular conditions, which usually have autosomal recessive inheritance (Savarese 2016). The p.Tyr24186X variant is located in the A-band. In summary, although additional studies are required to fully establish its clinical significance, this variant meets criteria to be classified as likely pathogenic for TTN-associated diseases. ACMG/AMP Criteria applied: PVS1, PM2.

NM_001267550.2(TTN):c.80262C>G (p.Tyr26754Ter)

Genes: TTN (titin; minus strand), TTN-AS1 (TTN antisense RNA 1; plus strand). Cytogenetic location: 2q31.2.
Variant type: single nucleotide variant.
Coding change: c.80262C>G on transcript NM_001267550.2 (MANE Select); coding-DNA position 80262, C replaced by G.
Protein change: p.Tyr26754Ter; replaces tyrosine 26754 with a stop codon.
Molecular consequence: nonsense.
Genome position (GRCh38, 1-based): chr2:178,565,870, G>C on the plus strand (C>G on the coding strand, the complement: TTN is on the minus strand). VCF-style: chr2-178565870-G-C. GRCh37 (hg19) VCF-style: chr2-179430597-G-C.
Other names: c.75339C>G, p.Tyr25113Ter (NM_001256850.1); c.53067C>G, p.Tyr17689Ter (NM_003319.4); c.72558C>G, p.Tyr24186Ter (NM_133378.4); c.53442C>G, p.Tyr17814Ter (NM_133432.3); c.53643C>G, p.Tyr17881Ter (NM_133437.4); short protein forms Y17689*, Y17814*, Y17881*, Y24186*, Y25113*, Y26754*.
Identifiers: ClinVar variation 3075743 (VCV003075743.1), dbSNP rs2468264153, ClinGen allele CA349589823.